The following is an entry in ClinVar:

NM_133261.3(GIPC3):c.58C>T (p.Pro20Ser)

Gene: GIPC3 (GIPC PDZ domain containing family member 3; plus strand). Cytogenetic location: 19p13.3.
Variant type: single nucleotide variant.
Coding change: c.58C>T on transcript NM_133261.3 (MANE Select); coding-DNA position 58, C replaced by T.
Protein change: p.Pro20Ser; replaces proline 20 with serine.
Molecular consequence: missense variant.
Genome position (GRCh38, 1-based): chr19:3,585,655, C>T. VCF-style: chr19-3585655-C-T. GRCh37 (hg19) VCF-style: chr19-3585653-C-T.
Other names: c.58C>T, p.Pro20Ser (NM_001411144.1); c.58C>T (NM_133261.2); short protein forms P20S.
Identifiers: ClinVar variation 2138186 (VCV002138186.2), dbSNP rs1405676624, ClinGen allele CA403359777.
Genomic context (GRCh38, chr19:3,585,655, plus strand): 5'-GCCATGGAGGGAGCAGCGGCCCGGGAGGCCCGGGGGACCGAGACCCCGCGCGCGTCTGCG[C>T]CCCCGCCCGCGCCCTCGGAGCCCCCGGCCGCGCCCCGCGCCCGCCCGCGCCTCGTCTTCC-3'
Protein context (NP_573568.1, residues 10-30): RGTETPRASA[Pro20Ser]PPAPSEPPAA

ClinVar aggregate classification (germline): Conflicting classifications of pathogenicity. Review status: criteria provided, conflicting classifications (1 of 4 stars). 2 submissions from 2 submitters: Uncertain significance (1); Likely benign (1). Last evaluated 2026-02-13.

Conditions:
GIPC3-related disorder. Also called: GIPC3-related condition.

Allele frequency attached by ClinVar (database versions not stated): TOPMed 0.00003; gnomAD 0.00006; gnomAD exomes 0.00006; 1000 Genomes Project 30x 0.00062.
gnomAD v4.1: 70 of 1,223,338 alleles (0.0057%); highest among the groups gnomAD compares: East Asian, 0.24%; no homozygotes.

Submissions (2):

PreventionGenetics, part of Exact Sciences
Classification: Likely benign for GIPC3-related condition. Last evaluated: 2026-02-13. Review status: criteria provided, single submitter. Criteria: ACMG Guidelines, 2015. Collection method: clinical testing. Allele origin: germline.
Comment: This variant is classified as likely benign based on ACMG/AMP sequence variant interpretation guidelines (Richards et al. 2015 PMID: 25741868, with internal and published modifications).

Labcorp Genetics (formerly Invitae), Labcorp
Classification: Uncertain significance. Last evaluated: 2022-03-13. Review status: criteria provided, single submitter. Criteria: Invitae Variant Classification Sherloc (09022015). Collection method: clinical testing. Allele origin: germline.
Comment: This sequence change replaces proline, which is neutral and non-polar, with serine, which is neutral and polar, at codon 20 of the GIPC3 protein (p.Pro20Ser). The frequency data for this variant in the population databases is considered unreliable, as metrics indicate poor data quality at this position in the gnomAD database. This variant has not been reported in the literature in individuals affected with GIPC3-related conditions. Algorithms developed to predict the effect of missense changes on protein structure and function are either unavailable or do not agree on the potential impact of this missense change (SIFT: "Tolerated"; PolyPhen-2: "Not Available"; Align-GVGD: "Class C0"). In summary, the available evidence is currently insufficient to determine the role of this variant in disease. Therefore, it has been classified as a Variant of Uncertain Significance.